The following is an entry in ClinVar:

NM_004526.4(MCM2):c.1267G>C (p.Asp423His)

Gene: MCM2 (minichromosome maintenance complex component 2; plus strand). Cytogenetic location: 3q21.3.
Variant type: single nucleotide variant.
Coding change: c.1267G>C on transcript NM_004526.4 (MANE Select); coding-DNA position 1267, G replaced by C.
Protein change: p.Asp423His; replaces aspartic acid 423 with histidine.
Molecular consequence: missense variant. On other transcripts: non-coding transcript variant (1).
Genome position (GRCh38, 1-based): chr3:127,608,862, G>C. VCF-style: chr3-127608862-G-C. GRCh37 (hg19) VCF-style: chr3-127327705-G-C.
Other names: short protein forms D423H.
Identifiers: ClinVar variation 3384720 (VCV003384720.1).

ClinVar aggregate classification (germline): Uncertain significance (1 of 4 stars; one submission).

gnomAD v4.1: 4 of 1,614,164 alleles (0.00025%); highest among the groups gnomAD compares: South Asian, 0.0033%; no homozygotes.

Submission:

Women's Health and Genetics/Laboratory Corporation of America, LabCorp
Classification: Uncertain significance. Last evaluated: 2024-10-31. Review status: criteria provided, single submitter. Criteria: LabCorp Variant Classification Summary - May 2015. Collection method: clinical testing. Allele origin: germline.
Comment: Variant summary: MCM2 c.1267G>C (p.Asp423His) results in a non-conservative amino acid change in the encoded protein sequence. Five of five in-silico tools predict a damaging effect of the variant on protein function. The variant allele was found at a frequency of 8e-06 in 251454 control chromosomes. The available data on variant occurrences in the general population are insufficient to allow any conclusion about variant significance. To our knowledge, no occurrence of c.1267G>C in individuals affected with Autosomal Dominant Nonsyndromic Hearing Loss 70 and no experimental evidence demonstrating its impact on protein function have been reported. No submitters have cited clinical-significance assessments for this variant to ClinVar. Based on the evidence outlined above, the variant was classified as uncertain significance.